The following is an entry in ClinVar:

NM_004360.5(CDH1):c.358G>A (p.Gly120Arg)

Gene: CDH1 (cadherin 1; plus strand). Cytogenetic location: 16q22.1.
Variant type: single nucleotide variant.
Coding change: c.358G>A on transcript NM_004360.5 (MANE Select); coding-DNA position 358, G replaced by A.
Protein change: p.Gly120Arg; replaces glycine 120 with arginine.
Molecular consequence: missense variant. On other transcripts: 5 prime UTR variant (2).
Genome position (GRCh38, 1-based): chr16:68,801,864, G>A. VCF-style: chr16-68801864-G-A. GRCh37 (hg19) VCF-style: chr16-68835767-G-A.
Other names: c.358G>A (LRG_301t1); c.358G>A, p.Gly120Arg (NM_001317184.2); c.-1258G>A (NM_001317185.2); c.-1462G>A (NM_001317186.2); short protein forms G120R.
Identifiers: ClinVar variation 232974 (VCV000232974.19), dbSNP rs751789834, ClinGen allele CA8129831.
Genomic context (GRCh38, chr16:68,801,864, plus strand): 5'-GTCTACGCCTGGGACTCCACCTACAGAAAGTTTTCCACCAAAGTCACGCTGAATACAGTG[G>A]GGCACCACCACCGCCCCCCGCCCCATCAGGTATGTTGGCATTTTTCTGAGAAGTTCGCTG-3'
Protein context (NP_004351.1, residues 110-130): FSTKVTLNTV[Gly120Arg]HHHRPPPHQA

ClinVar aggregate classification (germline): Conflicting classifications of pathogenicity. Review status: criteria provided, conflicting classifications (1 of 4 stars). 3 submissions from 3 submitters: Uncertain significance (2); Likely benign (1). Last evaluated 2026-06-18.

Conditions:
Hereditary cancer-predisposing syndrome. Also called: Tumor predisposition; Neoplastic Syndromes, Hereditary; Hereditary Cancer Syndrome; Hereditary neoplastic syndrome. Identifiers: Orphanet 140162, MedGen C0027672, MeSH D009386, MONDO:0015356.
Hereditary diffuse gastric adenocarcinoma (HDGC). Also called: DIFFUSE GASTRIC AND LOBULAR BREAST CANCER SYNDROME. Identifiers: Orphanet 26106, MedGen C1708349, MONDO:0007648, OMIM 137215.

Allele frequency attached by ClinVar (database versions not stated): gnomAD exomes below 0.00001; ExAC 0.00001.
gnomAD v4.1: 1 of 1,614,114 alleles (0.000062%); highest among the groups gnomAD compares: Non-Finnish European, 0.000085%; no homozygotes.

Submissions (3):

Ambry Genetics
Classification: Likely benign for Hereditary cancer-predisposing syndrome. Last evaluated: 2026-06-18. Review status: criteria provided, single submitter. Criteria: Ambry Variant Classification Scheme 2023. Collection method: clinical testing. Allele origin: germline.

Labcorp Genetics (formerly Invitae), Labcorp
Classification: Uncertain significance for Hereditary diffuse gastric adenocarcinoma. Last evaluated: 2025-12-03. Review status: criteria provided, single submitter. Criteria: Invitae Variant Classification Sherloc (09022015). Collection method: clinical testing. Allele origin: germline.
Comment: This sequence change replaces glycine, which is neutral and non-polar, with arginine, which is basic and polar, at codon 120 of the CDH1 protein (p.Gly120Arg). This variant is present in population databases (rs751789834, gnomAD 0.0009%). This variant has not been reported in the literature in individuals affected with CDH1-related conditions. ClinVar contains an entry for this variant (Variation ID: 232974). An algorithm developed to predict the effect of missense changes on protein structure and function (PolyPhen-2) suggests that this variant is likely to be tolerated. In summary, the available evidence is currently insufficient to determine the role of this variant in disease. Therefore, it has been classified as a Variant of Uncertain Significance.

Color Diagnostics, LLC DBA Color Health
Classification: Uncertain significance for Hereditary cancer-predisposing syndrome. Last evaluated: 2023-12-04. Review status: criteria provided, single submitter. Criteria: ACMG Guidelines, 2015. Collection method: clinical testing. Allele origin: germline.
Comment: This missense variant replaces glycine with arginine at codon 120 of the CDH1 protein. To our knowledge, functional studies have not been reported for this variant. This variant has not been reported in individuals affected with CDH1-related disorders in the literature. This variant has been identified in 1/251008 chromosomes in the general population by the Genome Aggregation Database (gnomAD). The available evidence is insufficient to determine the role of this variant in disease conclusively. Therefore, this variant is classified as a Variant of Uncertain Significance.